The following is an entry in ClinVar:

NM_007294.4(BRCA1):c.19C>T (p.Arg7Cys)

Gene: BRCA1 (BRCA1 DNA repair associated; minus strand). Cytogenetic location: 17q21.31.
Variant type: single nucleotide variant.
Coding change: c.19C>T on transcript NM_007294.4 (MANE Select); coding-DNA position 19, C replaced by T.
Protein change: p.Arg7Cys; replaces arginine 7 with cysteine.
Molecular consequence: missense variant. On other transcripts: 5 prime UTR variant (1), non-coding transcript variant (1).
Genome position (GRCh38, 1-based): chr17:43,124,078, G>A on the plus strand (C>T on the coding strand, the complement: BRCA1 is on the minus strand). VCF-style: chr17-43124078-G-A. GRCh37 (hg19) VCF-style: chr17-41276095-G-A.
Other names: 138C>T; c.19C>T, p.Arg7Cys (NM_001407937.1, NM_001407938.1, NM_001407939.1 and 193 more transcripts); c.-239C>T (NM_001407942.1, NM_001408455.1, NM_001408456.1 and 11 more transcripts); c.-242C>T (NM_001407943.1, NM_001407944.1, NM_001408410.1 and 22 more transcripts); c.-69C>T (NM_001407945.1, NM_001408454.1, NM_001408459.1 and 23 more transcripts); c.-170C>T (NM_001407946.1, NM_001407947.1, NM_001407948.1 and 46 more transcripts); c.-289C>T (NM_001407954.1, NM_001408513.1, NM_001407917.1); c.-401C>T (NM_001407965.1); and 9 more; short protein forms R7C.
Identifiers: ClinVar variation 37440 (VCV000037440.36), dbSNP rs80356994, ClinGen allele CA001330.
Genomic context (GRCh38, chr17:43,124,078, plus strand): 5'-AGATGGGACACTCTAAGATTTTCTGCATAGCATTAATGACATTTTGTACTTCTTCAACGC[G>A]AAGAGCAGATAAATCCATTTCTTTCTGTTCCAATGAACTTTAACACATTAGAAAAACATA-3'
Protein context (NP_009225.1, residues 1-17): MDLSAL[Arg7Cys]VEEVQNVINA

ClinVar aggregate classification (germline): Conflicting classifications of pathogenicity. Review status: criteria provided, conflicting classifications (1 of 4 stars). 15 submissions from 15 submitters: Uncertain significance (2); Likely benign (8). 5 of the submissions do not count toward it. Last evaluated 2026-02-03.

Conditions:
BRCA1-related disorder. Also called: BRCA1-related condition.
BRCA1-related cancer predisposition. Identifiers: MedGen CN377757, MONDO:0700268.
Breast and/or ovarian cancer. Identifiers: MedGen CN221562.
Hereditary cancer-predisposing syndrome. Also called: Tumor predisposition; Neoplastic Syndromes, Hereditary; Hereditary Cancer Syndrome; Hereditary neoplastic syndrome. Identifiers: Orphanet 140162, MedGen C0027672, MeSH D009386, MONDO:0015356.
Hereditary breast ovarian cancer syndrome. Also called: Hereditary breast and ovarian cancer syndrome (HBOC); Hereditary breast and ovarian cancer syndrome; Hereditary breast and ovarian cancer; Hereditary breast and/or ovarian cancer syndrome; Breast and ovarian cancer; BRCA1- and BRCA2-Associated Hereditary Breast and Ovarian Cancer. Identifiers: Orphanet 145, MedGen C0677776, MeSH D061325, MONDO:0003582. Disease mechanism: loss of function.
Breast-ovarian cancer, familial, susceptibility to, 1 (BROVCA1). Also called: OVARIAN CANCER, SUSCEPTIBILITY TO; BRCA1 Hereditary Breast and Ovarian Cancer. Identifiers: Orphanet 145, MedGen C2676676, MONDO:0011450, OMIM 604370. Disease mechanism: loss of function.
Malignant tumor of breast. Also called: Malignant breast neoplasm; Cancer breast. Identifiers: MedGen C0006142, MONDO:0007254. Disease mechanism: loss of function.

Allele frequency attached by ClinVar (database versions not stated): gnomAD 0.00002; TOPMed 0.00002; ESP Exome Variant Server 0.00008.

Submissions 1 to 15 of 16:

Labcorp Genetics (formerly Invitae), Labcorp
Classification: Likely benign for Hereditary breast ovarian cancer syndrome. Last evaluated: 2026-02-03. Review status: criteria provided, single submitter. Criteria: Invitae Variant Classification Sherloc (09022015). Collection method: clinical testing. Allele origin: germline.

Center for Genomic Medicine, Rigshospitalet, Copenhagen University Hospital
Classification: Uncertain significance. Last evaluated: 2025-12-29. Review status: criteria provided, single submitter. Criteria: ACMG Guidelines, 2015. Collection method: clinical testing. Allele origin: germline.

Women's Health and Genetics/Laboratory Corporation of America, LabCorp
Classification: Likely benign. Last evaluated: 2025-02-06. Review status: criteria provided, single submitter. Criteria: LabCorp Variant Classification Summary - May 2015. Collection method: clinical testing. Allele origin: germline.
Comment: Variant summary: BRCA1 c.19C>T (p.Arg7Cys) results in a non-conservative amino acid change in the encoded protein sequence. Three of five in-silico tools predict a benign effect of the variant on protein function. The variant allele was found at a frequency of 2.4e-05 in 251176 control chromosomes. The available data on variant occurrences in the general population are insufficient to allow any conclusion about variant significance. c.19C>T has been reported in the literature in individuals affected with or suspected of Hereditary Breast And Ovarian Cancer Syndrome (e.g. Gonzalez_2011, Keshvarzi_2012, Solano_2012). However, these reports do not provide unequivocal conclusions about association of the variant with Hereditary Breast And Ovarian Cancer Syndrome. Several publications report experimental evidence evaluating an impact on protein function. These results showed no damaging effect of this variant on homology directed repair (HDR) activity (e.g. Starita_2015, Findlay_2018, Bouwman_2020), and no effect on splicing (Wai_2020). The variant has also been reported to have normal binding to BARD1 and E2, and normal levels of E3 ligase activity (Morris_2006). The following publications have been ascertained in the context of this evaluation (PMID: 32546644, 20683152, 35659930, 30209399, 20859677, 34981296, 16267036, 21918854, 16403807, 23192404, 23961350, 25823446, 32123317). ClinVar contains an entry for this variant (Variation ID: 37440). Based on the evidence outlined above, the variant was classified as likely benign.

All of Us Research Program, National Institutes of Health
Classification: Likely benign for BRCA1-related cancer predisposition. Last evaluated: 2024-06-11. Review status: criteria provided, single submitter. Criteria: ACMG Guidelines, 2015. Collection method: clinical testing. Allele origin: germline. Inheritance: Autosomal dominant inheritance. Observed: 15 variant alleles, 15 heterozygotes.
Comment: This study involves interpretation of variants in research participants for the purpose of population health screening. Participant phenotype was not available at the time of variant classification. Additional details can be found in publication PMID: 35346344, PMCID: PMC8962531

Quest Diagnostics Nichols Institute San Juan Capistrano
Classification: Likely benign. Last evaluated: 2023-07-05. Review status: criteria provided, single submitter. Criteria: Quest Diagnostics criteria. Collection method: clinical testing. Allele origin: unknown.

CHEO Genetics Diagnostic Laboratory, Children's Hospital of Eastern Ontario
Classification: Likely benign for Breast and/or ovarian cancer. Last evaluated: 2023-01-05. Review status: criteria provided, single submitter. Criteria: ACMG Guidelines, 2015. Collection method: clinical testing. Allele origin: germline.

GeneDx
Classification: Likely benign. Last evaluated: 2020-08-21. Review status: criteria provided, single submitter. Criteria: GeneDx Variant Classification Process June 2021. Collection method: clinical testing. Allele origin: germline. Affected: yes.
Comment: This variant is associated with the following publications: (PMID: 20859677, 23961350, 26109977, 11573085, 23192404, 21918854, 32123317, 22684231, 16403807, 24312913, 25823446, 30209399, 31131967)

Ambry Genetics
Classification: Likely benign for Hereditary cancer-predisposing syndrome. Last evaluated: 2018-01-19. Review status: criteria provided, single submitter. Criteria: Ambry Variant Classification Scheme 2023. Collection method: clinical testing. Allele origin: germline.

Department of Pathology and Molecular Medicine, Queen's University
Classification: Uncertain significance. Last evaluated: 2017-04-20. Review status: criteria provided, single submitter. Criteria: ACMG Guidelines, 2015. Collection method: clinical testing. Allele origin: germline. Study: The Canadian Open Genetics Repository (COGR).

Color Diagnostics, LLC DBA Color Health
Classification: Likely benign for Hereditary cancer-predisposing syndrome. Last evaluated: 2017-01-04. Review status: criteria provided, single submitter. Criteria: ACMG Guidelines, 2015. Collection method: clinical testing. Allele origin: germline.

PreventionGenetics, part of Exact Sciences
Classification: Likely benign for BRCA1-related condition. Last evaluated: 2019-02-27. Review status: no assertion criteria provided. Collection method: clinical testing. Allele origin: germline. Not counted in ClinVar's aggregate classification.
Comment: This variant is classified as likely benign based on ACMG/AMP sequence variant interpretation guidelines (Richards et al. 2015 PMID: 25741868, with internal and published modifications).

True Health Diagnostics
Classification: Likely benign for Hereditary cancer-predisposing syndrome. Last evaluated: 2018-03-15. Review status: no assertion criteria provided. Collection method: clinical testing. Allele origin: germline. Not counted in ClinVar's aggregate classification.

Sharing Clinical Reports Project (SCRP)
Classification: Likely benign for Breast-ovarian cancer, familial 1. Last evaluated: 2011-07-25. Review status: no assertion criteria provided. Collection method: clinical testing. Allele origin: germline. Not counted in ClinVar's aggregate classification.

Breast Cancer Information Core (BIC) (BRCA1)
Classification: Uncertain significance for Breast-ovarian cancer, familial 1. Last evaluated: 2002-05-29. Review status: no assertion criteria provided. Collection method: clinical testing. Allele origin: germline. Affected: yes. Observed: 4 variant alleles. Not counted in ClinVar's aggregate classification.

Brotman Baty Institute, University of Washington
No classification provided (evidence only). Condition: Breast-ovarian cancer, familial 1. Review status: no classification provided. Collection method: in vitro. Allele origin: not applicable. Functional consequence: functionally_normal. Not counted in ClinVar's aggregate classification.
ClinVar note: "not provided" was previously submitted as the classification for the variant. However, the classification appeared to be based only on an observation of functional data so it was converted to no classification on 2025-07-30.